The following is an entry in ClinVar:

ClinVar aggregate classification (germline): Conflicting classifications of pathogenicity. Review status: criteria provided, conflicting classifications (1 of 4 stars). 2 submissions from 2 submitters: Likely pathogenic (1); Uncertain significance (1). Last evaluated 2023-03-21.

Conditions:
Neurodevelopmental disorder. Identifiers: MedGen C1535926, MeSH D065886, MONDO:0700092.
Hereditary spastic paraplegia 46. Also called: Spastic paraplegia 46, autosomal recessive. Identifiers: Orphanet 320391, MedGen C2828721, MONDO:0013737, OMIM 614409.

Allele frequency attached by ClinVar (database versions not stated): TOPMed below 0.00001; gnomAD 0.00001; gnomAD exomes 0.00001; ExAC 0.00002.

Submissions (2):

Laboratory of Molecular Genetics (Pr. Bezieau's lab), CHU de Nantes
Classification: Likely pathogenic for Neurodevelopmental disorder. Last evaluated: 2023-03-21. Review status: criteria provided, single submitter. Criteria: ACMG Guidelines, 2015. Collection method: clinical testing. Allele origin: germline. Affected: yes.

Neuberg Centre For Genomic Medicine, NCGM
Classification: Uncertain significance for Hereditary spastic paraplegia 46. Review status: criteria provided, single submitter. Criteria: ACMG Guidelines, 2015. Collection method: clinical testing. Allele origin: germline. Inheritance: Autosomal recessive inheritance. Affected: yes.
Comment: The missense variant in c.2617C>T (p.Arg873Cys) in GBA2 gene has not been reported previously as a pathogenic variant nor as a benign variant, to our knowledge. The p.Arg873Cys variant is novel (not in any individuals) in 1000 Genomes and has allele frequency of 0.0008% in gnomAD database. The amino acid Arg at position 873 is changed to a Cys changing protein sequence and it might alter its composition and physico-chemical properties. The variant is predicted to be damaging by both SIFT and PolyPhen2. The amino acid change p.Arg873Cys in GBA2 is predicted as conserved by GERP++ and PhyloP across 100 vertebrates. For these reasons, this variant has been classified as Uncertain Significance (VUS). In the absence of another reportable variant/CNV, the molecular diagnosis is not confirmed.

NM_020944.3(GBA2):c.2617C>T (p.Arg873Cys)

Gene: GBA2 (glucosylceramidase beta 2; minus strand). Cytogenetic location: 9p13.3.
Variant type: single nucleotide variant.
Coding change: c.2617C>T on transcript NM_020944.3 (MANE Select); coding-DNA position 2617, C replaced by T.
Protein change: p.Arg873Cys; replaces arginine 873 with cysteine.
Molecular consequence: missense variant. On other transcripts: 3 prime UTR variant (1).
Genome position (GRCh38, 1-based): chr9:35,737,336, G>A on the plus strand (C>T on the coding strand, the complement: GBA2 is on the minus strand). VCF-style: chr9-35737336-G-A. GRCh37 (hg19) VCF-style: chr9-35737333-G-A.
Other names: c.*140C>T (NM_001330660.2); short protein forms R873C.
Identifiers: ClinVar variation 2585505 (VCV002585505.2), dbSNP rs757252849, ClinGen allele CA5050028.